The following is an entry in ClinVar:

NM_006017.3(PROM1):c.1157T>A (p.Leu386Ter)

Gene: PROM1 (prominin 1; minus strand). Cytogenetic location: 4p15.32.
Variant type: single nucleotide variant.
Coding change: c.1157T>A on transcript NM_006017.3 (MANE Select); coding-DNA position 1157, T replaced by A.
Protein change: p.Leu386Ter; replaces leucine 386 with a stop codon.
Molecular consequence: nonsense.
Genome position (GRCh38, 1-based): chr4:16,009,093, A>T on the plus strand (T>A on the coding strand, the complement: PROM1 is on the minus strand). VCF-style: chr4-16009093-A-T. GRCh37 (hg19) VCF-style: chr4-16010716-A-T.
Other names: c.1130T>A, p.Leu377Ter (NM_001145847.2, NM_001145848.2, NM_001145851.2 and 4 more transcripts); c.1157T>A, p.Leu386Ter (NM_001145849.2, NM_001145850.2); short protein forms L386*, L377*.
Identifiers: ClinVar variation 253326 (VCV000253326.14), dbSNP rs886037880, ClinGen allele CA10586321.

ClinVar aggregate classification (germline): Pathogenic. Review status: criteria provided, multiple submitters, no conflicts (2 of 4 stars). 5 submissions from 5 submitters: Pathogenic (3). 2 of the submissions do not count toward it. Last evaluated 2025-01-06.

Conditions:
PROM1-related disorder. Also called: PROM1-related disorders; PROM1-related condition.
Cone-rod dystrophy. Also called: Cone-rod degeneration; Cone/cone-rod dystrophy. Identifiers: Orphanet 1872, MedGen C4085590, MONDO:0015993, HP:0000548.
Stargardt disease 4 (STGD4). Identifiers: Orphanet 827, MedGen C1863534, MONDO:0011370, OMIM 603786.
Cone-rod dystrophy 12 (CORD12). Identifiers: Orphanet 1872, MedGen C2675210, MONDO:0012983, OMIM 612657.

Allele frequency attached by ClinVar (database versions not stated): TOPMed below 0.00001; gnomAD 0.00001.
gnomAD v4.1: 6 of 1,612,876 alleles (0.00037%); highest among the groups gnomAD compares: Middle Eastern, 0.051%; no homozygotes.

Submissions (5):

Labcorp Genetics (formerly Invitae), Labcorp
Classification: Pathogenic. Last evaluated: 2025-01-06. Review status: criteria provided, single submitter. Criteria: Invitae Variant Classification Sherloc (09022015). Collection method: clinical testing. Allele origin: germline.
Comment: This sequence change creates a premature translational stop signal (p.Leu386*) in the PROM1 gene. It is expected to result in an absent or disrupted protein product. Loss-of-function variants in PROM1 are known to be pathogenic (PMID: 17605048, 19718270, 24154662, 25474345). This variant is not present in population databases (gnomAD no frequency). This premature translational stop signal has been observed in individual(s) with retinal dystrophy and cone-rod dystrophy (PMID: 23591405, 24474277). ClinVar contains an entry for this variant (Variation ID: 253326). For these reasons, this variant has been classified as Pathogenic.

Blueprint Genetics
Classification: Pathogenic for PROM1-related disorders. Last evaluated: 2023-12-29. Review status: criteria provided, single submitter. Criteria: ACMG Guidelines, 2015. Collection method: clinical testing. Allele origin: germline. Affected: yes. Observed: 3 variant alleles.

Mendelics
Classification: Pathogenic for Stargardt disease 4. Last evaluated: 2022-05-04. Review status: criteria provided, single submitter. Criteria: Mendelics Assertion Criteria 2019. Collection method: clinical testing. Allele origin: germline.

OMIM
Classification: Pathogenic for CONE-ROD DYSTROPHY 12. Last evaluated: 2020-06-30. Review status: no assertion criteria provided. Collection method: literature only. Allele origin: germline. Not counted in ClinVar's aggregate classification.

Sharon lab, Hadassah-Hebrew University Medical Center
Classification: Pathogenic for Cone-rod degeneration. Last evaluated: 2019-06-23. Review status: no assertion criteria provided. Collection method: research. Allele origin: inherited. Affected: yes. Not counted in ClinVar's aggregate classification.

Literature cited by the submitters: PubMed 17605048 (cited by Labcorp Genetics (formerly Invitae), Labcorp); PubMed 19718270 (cited by Labcorp Genetics (formerly Invitae), Labcorp); PubMed 24154662 (cited by Labcorp Genetics (formerly Invitae), Labcorp); PubMed 25474345 (cited by Labcorp Genetics (formerly Invitae), Labcorp); PubMed 23591405 (cited by Labcorp Genetics (formerly Invitae), Labcorp); PubMed 24474277 (cited by Labcorp Genetics (formerly Invitae), Labcorp and OMIM).